The following is an entry in ClinVar:

NM_000548.5(TSC2):c.2853A>T (p.Arg951Ser)

Gene: TSC2 (TSC complex subunit 2; plus strand). Cytogenetic location: 16p13.3.
Variant type: single nucleotide variant.
Coding change: c.2853A>T on transcript NM_000548.5 (MANE Select); coding-DNA position 2853, A replaced by T.
Protein change: p.Arg951Ser; replaces arginine 951 with serine.
Molecular consequence: missense variant. On other transcripts: intron variant (9).
Genome position (GRCh38, 1-based): chr16:2,077,613, A>T. VCF-style: chr16-2077613-A-T. GRCh37 (hg19) VCF-style: chr16-2127614-A-T.
Other names: c.2853A>T, p.Arg951Ser (NM_001114382.3); c.2837+1028A>T (NM_021055.3, NM_001370405.1, NM_001363528.2 and 2 more transcripts); c.2726+1028A>T (NM_001318827.2); c.2237+1028A>T (NM_001318831.2); c.2690+1028A>T (NM_001318829.2); c.2870+1028A>T (NM_001318832.2); short protein forms R951S.
Identifiers: ClinVar variation 49719 (VCV000049719.12), dbSNP rs45517273, ClinGen allele CA018279.

ClinVar aggregate classification (germline): Conflicting classifications of pathogenicity. Review status: criteria provided, conflicting classifications (1 of 4 stars). 3 submissions from 3 submitters: Uncertain significance (1); Likely benign (1). 1 of the submissions does not count toward it. Last evaluated 2024-08-27.

Conditions:
Tuberous sclerosis syndrome (TSC). Also called: Tuberous Sclerosis Complex; Tuberous sclerosis. Identifiers: Orphanet 805, MedGen C0041341, MONDO:0001734.
Hereditary cancer-predisposing syndrome. Also called: Neoplastic Syndromes, Hereditary; Tumor predisposition; Hereditary Cancer Syndrome; Hereditary neoplastic syndrome. Identifiers: Orphanet 140162, MedGen C0027672, MeSH D009386, MONDO:0015356.
Tuberous sclerosis 2 (TSC2). Identifiers: Orphanet 805, MedGen C1860707, MONDO:0013199, OMIM 613254.

Submissions (3):

Labcorp Genetics (formerly Invitae), Labcorp
Classification: Uncertain significance for Tuberous sclerosis 2. Last evaluated: 2024-08-27. Review status: criteria provided, single submitter. Criteria: Invitae Variant Classification Sherloc (09022015). Collection method: clinical testing. Allele origin: germline.
Comment: This sequence change replaces arginine, which is basic and polar, with serine, which is neutral and polar, at codon 951 of the TSC2 protein (p.Arg951Ser). This variant is not present in population databases (gnomAD no frequency). This variant has not been reported in the literature in individuals affected with TSC2-related conditions. ClinVar contains an entry for this variant (Variation ID: 49719). Invitae Evidence Modeling of protein sequence and biophysical properties (such as structural, functional, and spatial information, amino acid conservation, physicochemical variation, residue mobility, and thermodynamic stability) indicates that this missense variant is not expected to disrupt TSC2 protein function with a negative predictive value of 95%. Experimental studies have shown that this missense change does not substantially affect TSC2 function (PMID: 21309039). In summary, the available evidence is currently insufficient to determine the role of this variant in disease. Therefore, it has been classified as a Variant of Uncertain Significance.

Ambry Genetics
Classification: Likely benign for Hereditary cancer-predisposing syndrome. Last evaluated: 2020-01-28. Review status: criteria provided, single submitter. Criteria: Ambry Variant Classification Scheme 2023. Collection method: clinical testing. Allele origin: germline.

Tuberous sclerosis database (TSC2)
No classification provided. Condition: TSC. Review status: no classification provided. Criteria: Tuberous Sclerosis Database Assertion Criteria 2015. Collection method: curation. Allele origin: germline. Affected: yes. Not counted in ClinVar's aggregate classification.

Literature cited by the submitters: PubMed 21309039 (cited by Labcorp Genetics (formerly Invitae), Labcorp and Ambry Genetics).